The following is an entry in ClinVar:

NM_006343.3(MERTK):c.1589A>G (p.Gln530Arg)

Gene: MERTK (MER proto-oncogene, tyrosine kinase; plus strand). Cytogenetic location: 2q13.
Variant type: single nucleotide variant.
Coding change: c.1589A>G on transcript NM_006343.3 (MANE Select); coding-DNA position 1589, A replaced by G.
Protein change: p.Gln530Arg; replaces glutamine 530 with arginine.
Molecular consequence: missense variant.
Genome position (GRCh38, 1-based): chr2:111,997,461, A>G. VCF-style: chr2-111997461-A-G. GRCh37 (hg19) VCF-style: chr2-112755038-A-G.
Other names: short protein forms Q530R.
Identifiers: ClinVar variation 1524166 (VCV001524166.8), dbSNP rs2104402006, ClinGen allele CA348231586.
Genomic context (GRCh38, chr2:111,997,461, plus strand): 5'-GTGGATTTATTTTGATTGGGTTGATTTTATACATCTCCTTGGCCATCAGAAAAAGAGTCC[A>G]GGAGACAAAGTTTGGGTAAGTCTCCCAGCTAAAAATGTTTGCCCACTGGTATTGACAAGG-3'
Protein context (NP_006334.2, residues 520-540): YISLAIRKRV[Gln530Arg]ETKFGNAFTE

ClinVar aggregate classification (germline): Uncertain significance (1 of 4 stars; one submission).

Submission:

Labcorp Genetics (formerly Invitae), Labcorp
Classification: Uncertain significance. Last evaluated: 2022-08-23. Review status: criteria provided, single submitter. Criteria: Invitae Variant Classification Sherloc (09022015). Collection method: clinical testing. Allele origin: germline.
Comment: In summary, the available evidence is currently insufficient to determine the role of this variant in disease. Therefore, it has been classified as a Variant of Uncertain Significance. Algorithms developed to predict the effect of missense changes on protein structure and function output the following: SIFT: "Deleterious"; PolyPhen-2: "Benign"; Align-GVGD: "Class C0". The arginine amino acid residue is found in multiple mammalian species, which suggests that this missense change does not adversely affect protein function. ClinVar contains an entry for this variant (Variation ID: 1524166). This variant has not been reported in the literature in individuals affected with MERTK-related conditions. This variant is not present in population databases (gnomAD no frequency). This sequence change replaces glutamine, which is neutral and polar, with arginine, which is basic and polar, at codon 530 of the MERTK protein (p.Gln530Arg).